The following is an entry in ClinVar:

ClinVar aggregate classification (germline): Uncertain significance (1 of 4 stars; one submission).

Submission:

Labcorp Genetics (formerly Invitae), Labcorp
Classification: Uncertain significance. Last evaluated: 2024-09-06. Review status: criteria provided, single submitter. Criteria: Invitae Variant Classification Sherloc (09022015). Collection method: clinical testing. Allele origin: germline.
Comment: This sequence change replaces threonine, which is neutral and polar, with lysine, which is basic and polar, at codon 114 of the FMN1 protein (p.Thr114Lys). This variant is not present in population databases (gnomAD no frequency). This variant has not been reported in the literature in individuals affected with FMN1-related conditions. Experimental studies and prediction algorithms are not available or were not evaluated, and the functional significance of this variant is currently unknown. In summary, the available evidence is currently insufficient to determine the role of this variant in disease. Therefore, it has been classified as a Variant of Uncertain Significance.

NM_001277313.2(FMN1):c.2044-2470C>A

Gene: FMN1 (formin 1; minus strand). Cytogenetic location: 15q13.3.
Variant type: single nucleotide variant.
Coding change: c.2044-2470C>A on transcript NM_001277313.2 (MANE Select); 2470 bases into the intron before coding-DNA position 2044, C replaced by A.
Molecular consequence: intron variant. On other transcripts: missense variant (1).
Genome position (GRCh38, 1-based): chr15:33,067,544, G>T on the plus strand (C>A on the coding strand, the complement: FMN1 is on the minus strand). VCF-style: chr15-33067544-G-T. GRCh37 (hg19) VCF-style: chr15-33359745-G-T.
Other names: c.341C>A, p.Thr114Lys (NM_001103184.4); short protein forms T114K.
Identifiers: ClinVar variation 3639571 (VCV003639571.2).
Genomic context (GRCh38, chr15:33,067,544, plus strand): 5'-ACATCGTCTTTTGTCCCTTTCAAAGTAGACAGTGGAAGCAGCTCTTGAGCAAGGAGAGAT[G>T]TCCCTGCTTCTTTTCTCTGACTTCCCTCTGATTCTGTCTCCACGCTTGCAATTTTCTCAT-3'